The following is an entry in ClinVar:

ClinVar aggregate classification (germline): Uncertain significance (1 of 4 stars; one submission).

Conditions:
Coenzyme Q10 deficiency, primary, 1. Also called: UBIQUINONE DEFICIENCY 1; COENZYME Q DEFICIENCY 1; CoQ DEFICIENCY 1. Identifiers: Orphanet 255249, MedGen C3551954, MONDO:0011829, OMIM 607426.

Submission:

MVZ Medizinische Genetik Mainz
Classification: Uncertain significance for Coenzyme Q10 deficiency, primary, 1. Last evaluated: 2024-06-25. Review status: criteria provided, single submitter. Criteria: UK Practice Guidelines For Variant Classification V4 01 2020. Collection method: clinical testing. Allele origin: germline. Inheritance: Autosomal recessive inheritance. Affected: yes. Observed: 1 variant allele.
Comment: ACMG Criteria: PP3_MOD,PM2_SUP; Compound Heterozygote

NM_001358921.2(COQ2):c.421G>C (p.Val141Leu)

Gene: COQ2 (coenzyme Q2, polyprenyltransferase; minus strand). Cytogenetic location: 4q21.23.
Variant type: single nucleotide variant.
Coding change: c.421G>C on transcript NM_001358921.2 (MANE Select); coding-DNA position 421, G replaced by C.
Protein change: p.Val141Leu; replaces valine 141 with leucine.
Molecular consequence: missense variant.
Genome position (GRCh38, 1-based): chr4:83,273,617, C>G on the plus strand (G>C on the coding strand, the complement: COQ2 is on the minus strand). VCF-style: chr4-83273617-C-G. GRCh37 (hg19) VCF-style: chr4-84194770-C-G.
Other names: p.(Val141Leu); c.571G>C, p.Val191Leu (NM_015697.9); short protein forms V141L, V191L.
Identifiers: ClinVar variation 3256712 (VCV003256712.1).
Genomic context (GRCh38, chr4:83,273,617, plus strand): 5'-CAAAGGACTGAAAAGTTGAAATGTCTCCAGCGGCTATTGGACGATTGGCTGTTCTTGTAA[C>G]CTTAAAACATAAAAACAGATACCTTAGCTTCATGTAATGACTCAATCATTTATTTAAACA-3'
Protein context (NP_001345850.1, residues 131-151): DMWDQDYDKK[Val141Leu]TRTANRPIAA